The following is an entry in ClinVar:

NM_203288.2(RP9):c.509A>G (p.Asp170Gly)

Gene: RP9 (RP9 pre-mRNA splicing factor; minus strand). Cytogenetic location: 7p14.3.
Variant type: single nucleotide variant.
Coding change: c.509A>G on transcript NM_203288.2 (MANE Select); coding-DNA position 509, A replaced by G.
Protein change: p.Asp170Gly; replaces aspartic acid 170 with glycine.
Molecular consequence: missense variant.
Genome position (GRCh38, 1-based): chr7:33,095,391, T>C on the plus strand (A>G on the coding strand, the complement: RP9 is on the minus strand). VCF-style: chr7-33095391-T-C. GRCh37 (hg19) VCF-style: chr7-33135003-T-C.
Other names: short protein forms D170G.
Identifiers: ClinVar variation 3335 (VCV000003335.5), dbSNP rs104894039, ClinGen allele CA252735.

ClinVar aggregate classification (germline): Uncertain significance. Review status: criteria provided, single submitter (1 of 4 stars). 2 submissions from 2 submitters: Uncertain significance (1). 1 of the submissions does not count toward it. Last evaluated 2017-04-27.

Conditions:
Retinitis pigmentosa (RP). Identifiers: Orphanet 791, MedGen C0035334, MeSH D012174, MONDO:0019200, OMIM 268000. Inheritance: Autosomal dominant, autosomal recessive and X linked inheritance.
Retinitis pigmentosa 9 (RP9). Identifiers: Orphanet 791, MedGen C1867300, MONDO:0008378, OMIM 180104.

Allele frequency attached by ClinVar (database versions not stated): TOPMed 0.00021; 1000 Genomes Project 30x 0.00031; gnomAD 0.00016 and 0.00015; ExAC 0.00007; gnomAD exomes 0.00006; 1000 Genomes Project 0.00040.

Submissions (2):

Illumina Laboratory Services, Illumina
Classification: Uncertain significance for Retinitis pigmentosa. Last evaluated: 2017-04-27. Review status: criteria provided, single submitter. Criteria: ICSL Variant Classification Criteria 13 December 2019. Collection method: clinical testing. Allele origin: germline.
Comment: This variant was observed as part of a predisposition screen in an ostensibly healthy population. A literature search was performed for the gene, cDNA change, and amino acid change (where applicable). Publications were found based on this search. However, the evidence from the literature, in combination with allele frequency data from public databases where available, was not sufficient to rule this variant in or out of causing disease. Therefore, this variant is classified as a variant of unknown significance.

OMIM
Classification: Pathogenic for RETINITIS PIGMENTOSA 9 (1 patient). Last evaluated: 2006-06-01. Review status: no assertion criteria provided. Collection method: literature only. Allele origin: germline. Not counted in ClinVar's aggregate classification.

Literature cited by the submitters: PubMed 17110909 (cited by Illumina Laboratory Services, Illumina); PubMed 15541726 (cited by Illumina Laboratory Services, Illumina); PubMed 12032732 (cited by Illumina Laboratory Services, Illumina and OMIM); PubMed 15474994 (cited by Illumina Laboratory Services, Illumina); PubMed 1479605 (cited by Illumina Laboratory Services, Illumina and OMIM); PubMed 23647439 (cited by Illumina Laboratory Services, Illumina); PubMed 16671097 (cited by Illumina Laboratory Services, Illumina and OMIM).